The following is an entry in ClinVar:

NM_000492.4(CFTR):c.3286C>T (p.Leu1096=)

Genes: CFTR (CF transmembrane conductance regulator; plus strand), CFTR-AS2 (CFTR antisense RNA 2; minus strand), LOC111674472 (DNase I hypersensitive sites in introns 16 and 17a of CFTR; plus strand). Cytogenetic location: 7q31.2.
Variant type: single nucleotide variant.
Coding change: c.3286C>T on transcript NM_000492.4 (MANE Select); coding-DNA position 3286, C replaced by T.
Protein change: p.Leu1096=; no amino-acid change (leucine 1096 retained).
Molecular consequence: synonymous variant.
Genome position (GRCh38, 1-based): chr7:117,611,727, C>T. VCF-style: chr7-117611727-C-T. GRCh37 (hg19) VCF-style: chr7-117251781-C-T.
Identifiers: ClinVar variation 2453615 (VCV002453615.4), dbSNP rs1050298935, ClinGen allele CA164966615.
Genomic context (GRCh38, chr7:117,611,727, plus strand): 5'-ACTCTGTTCCACAAAGCTCTGAATTTACATACTGCCAACTGGTTCTTGTACCTGTCAACA[C>T]TGCGCTGGTTCCAAATGAGAATAGAAATGATTTTTGTCATCTTCTTCATTGCTGTTACCT-3'
Protein context (NP_000483.3, residues 1086-1106): TANWFLYLST[Leu1096=]RWFQMRIEMI

ClinVar aggregate classification (germline): Likely benign. Review status: criteria provided, single submitter (1 of 4 stars). 2 submissions from 2 submitters: Likely benign (1). 1 of the submissions does not count toward it. Last evaluated 2022-11-11.

Conditions:
Cystic fibrosis (CF). Also called: MUCOVISCIDOSIS. Identifiers: Orphanet 586, MedGen C0010674, MONDO:0009061, OMIM 219700. Disease mechanism: loss of function.
CFTR-related disorder (CFTR-RD). Also called: CFTR-related disorders; CFTR-related condition. Identifiers: MedGen C5924204, MONDO:7770004.

Allele frequency attached by ClinVar (database versions not stated): gnomAD exomes below 0.00001.
gnomAD v4.1: 1 of 1,613,556 alleles (0.000062%); highest among the groups gnomAD compares: Non-Finnish European, 0.000085%; no homozygotes.

Submissions (2):

Ambry Genetics
Classification: Likely benign for Cystic fibrosis. Last evaluated: 2022-11-11. Review status: criteria provided, single submitter. Criteria: Ambry Variant Classification Scheme 2023. Collection method: clinical testing. Allele origin: germline.

PreventionGenetics, part of Exact Sciences
Classification: Likely benign for CFTR-related condition. Last evaluated: 2023-10-12. Review status: no assertion criteria provided. Collection method: clinical testing. Allele origin: germline. Not counted in ClinVar's aggregate classification.
Comment: This variant is classified as likely benign based on ACMG/AMP sequence variant interpretation guidelines (Richards et al. 2015 PMID: 25741868, with internal and published modifications).